The following is an entry in ClinVar:

NM_004036.5(ADCY3):c.1367T>C (p.Ile456Thr)

Gene: ADCY3 (adenylate cyclase 3; minus strand). Cytogenetic location: 2p23.3.
Variant type: single nucleotide variant.
Coding change: c.1367T>C on transcript NM_004036.5 (MANE Select); coding-DNA position 1367, T replaced by C.
Protein change: p.Ile456Thr; replaces isoleucine 456 with threonine.
Molecular consequence: missense variant.
Genome position (GRCh38, 1-based): chr2:24,838,611, A>G on the plus strand (T>C on the coding strand, the complement: ADCY3 is on the minus strand). VCF-style: chr2-24838611-A-G. GRCh37 (hg19) VCF-style: chr2-25061480-A-G.
Other names: c.1367T>C, p.Ile456Thr (NM_001320613.2, NM_001377129.1, NM_001377130.1 and 1 more transcripts); c.1433T>C, p.Ile478Thr (NM_001377128.1); c.644T>C, p.Ile215Thr (NM_001377131.1); short protein forms I215T, I456T, I478T.
Identifiers: ClinVar variation 3391533 (VCV003391533.1).

ClinVar aggregate classification (germline): Uncertain significance (1 of 4 stars; one submission).

gnomAD v4.1: 7 of 1,613,792 alleles (0.00043%); highest among the groups gnomAD compares: Admixed American, 0.012%; no homozygotes.

Submission:

GeneDx
Classification: Uncertain significance. Last evaluated: 2023-12-13. Review status: criteria provided, single submitter. Criteria: GeneDx Variant Classification Process June 2021. Collection method: clinical testing. Allele origin: germline. Affected: yes.
Comment: In silico analysis supports that this missense variant has a deleterious effect on protein structure/function; Has not been previously published as pathogenic or benign to our knowledge; Variants in candidate genes are classified as variants of uncertain significance in accordance with ACMG guidelines (PMID: 25741868)